The following is an entry in ClinVar:

ClinVar aggregate classification (germline): Pathogenic (1 of 4 stars; one submission).

Conditions:
Hereditary nonpolyposis colorectal neoplasms. Identifiers: MedGen C0009405, MeSH D003123.

Submission:

Labcorp Genetics (formerly Invitae), Labcorp
Classification: Pathogenic for Hereditary nonpolyposis colorectal neoplasms. Last evaluated: 2024-04-22. Review status: criteria provided, single submitter. Criteria: Invitae Variant Classification Sherloc (09022015). Collection method: clinical testing. Allele origin: germline.
Comment: This sequence change creates a premature translational stop signal (p.Gln700*) in the PMS2 gene. It is expected to result in an absent or disrupted protein product. Loss-of-function variants in PMS2 are known to be pathogenic (PMID: 21376568, 24362816). The frequency data for this variant in the population databases (gnomAD) is considered unreliable due to the presence of homologous sequence, such as pseudogenes or paralogs, in the genome. This variant has not been reported in the literature in individuals affected with PMS2-related conditions. ClinVar contains an entry for this variant (Variation ID: 2135280). For these reasons, this variant has been classified as Pathogenic.

Literature cited by the submitters: PubMed 21376568; PubMed 24362816.

NM_000535.7(PMS2):c.2098C>T (p.Gln700Ter)

Gene: PMS2 (PMS1 homolog 2, mismatch repair system component; minus strand). Cytogenetic location: 7p22.1.
Variant type: single nucleotide variant.
Coding change: c.2098C>T on transcript NM_000535.7 (MANE Select); coding-DNA position 2098, C replaced by T.
Protein change: p.Gln700Ter; replaces glutamine 700 with a stop codon.
Molecular consequence: nonsense. On other transcripts: non-coding transcript variant (1).
Genome position (GRCh38, 1-based): chr7:5,982,900, G>A on the plus strand (C>T on the coding strand, the complement: PMS2 is on the minus strand). VCF-style: chr7-5982900-G-A. GRCh37 (hg19) VCF-style: chr7-6022531-G-A.
Other names: c.1780C>T, p.Gln594Ter (NM_001322007.2, NM_001322008.2, NM_001406883.1 and 1 more transcripts); c.1693C>T, p.Gln565Ter (NM_001322009.2, NM_001406887.1, NM_001406897.1 and 15 more transcripts); c.1537C>T, p.Gln513Ter (NM_001322010.2, NM_001406906.1, NM_001406907.1); c.1165C>T, p.Gln389Ter (NM_001322011.2, NM_001322012.2); c.1525C>T, p.Gln509Ter (NM_001322013.2, NM_001406909.1); c.2098C>T, p.Gln700Ter (NM_001322014.2, NM_001406871.1); c.1789C>T, p.Gln597Ter (NM_001322015.2, NM_001406878.1, NM_001406879.1 and 5 more transcripts); c.2284C>T, p.Gln762Ter (NM_001406866.1); and 13 more; short protein forms Q443*, Q509*, Q529*, Q578*, Q597*, Q700*, Q762*, Q588*.
Identifiers: ClinVar variation 2135280 (VCV002135280.4), dbSNP rs1782451817, ClinGen allele CA366738004.